The following is an entry in ClinVar:

ClinVar aggregate classification (germline): Pathogenic. Review status: criteria provided, multiple submitters, no conflicts (2 of 4 stars). 2 submissions from 2 submitters: Pathogenic (2). Last evaluated 2022-05-30.

Conditions:
Developmental and epileptic encephalopathy, 11 (DEE11). Also called: Early infantile epileptic encephalopathy 11. Identifiers: Orphanet 1934, MedGen C3150987, MONDO:0013388, OMIM 613721.
Seizures, benign familial infantile, 3 (BFIS3). Also called: CONVULSIONS, BENIGN FAMILIAL INFANTILE, 3; Familial neonatal seizures. Identifiers: Orphanet 140927, Orphanet 306, MedGen C1843140, MONDO:0011904, OMIM 607745.

Submissions (2):

Labcorp Genetics (formerly Invitae), Labcorp
Classification: Pathogenic for Seizures, benign familial infantile, 3; Developmental and epileptic encephalopathy, 11. Last evaluated: 2022-05-30. Review status: criteria provided, single submitter. Criteria: Invitae Variant Classification Sherloc (09022015). Collection method: clinical testing. Allele origin: germline.
Comment: This sequence change replaces methionine, which is neutral and non-polar, with valine, which is neutral and non-polar, at codon 1490 of the SCN2A protein (p.Met1490Val). This variant is not present in population databases (gnomAD no frequency). This missense change has been observed in individual(s) with clinical features of early infantile epileptic encephalopathy SCN2A-related conditions (PMID: 28554332, 31487502; Invitae). In at least one individual the variant was observed to be de novo. ClinVar contains an entry for this variant (Variation ID: 224077). Algorithms developed to predict the effect of missense changes on protein structure and function are either unavailable or do not agree on the potential impact of this missense change (SIFT: "Deleterious"; PolyPhen-2: "Benign"; Align-GVGD: "Class C0"). For these reasons, this variant has been classified as Pathogenic.

HudsonAlpha Institute for Biotechnology
Classification: Pathogenic for Developmental and epileptic encephalopathy, 11. Last evaluated: 2004-04-10. Review status: criteria provided, single submitter. Criteria: HA_assertions_20161101. Collection method: research. Allele origin: de novo. Affected: yes. Study: CSER-HudsonAlpha.

Literature cited by the submitters: PubMed 28554332 (cited by Labcorp Genetics (formerly Invitae), Labcorp); PubMed 31487502 (cited by Labcorp Genetics (formerly Invitae), Labcorp).

NM_001040142.2(SCN2A):c.4468A>G (p.Met1490Val)

Gene: SCN2A (sodium voltage-gated channel alpha subunit 2; plus strand). Cytogenetic location: 2q24.3.
Variant type: single nucleotide variant.
Coding change: c.4468A>G on transcript NM_001040142.2 (MANE Select); coding-DNA position 4468, A replaced by G.
Protein change: p.Met1490Val; replaces methionine 1490 with valine.
Molecular consequence: missense variant.
Genome position (GRCh38, 1-based): chr2:165,381,114, A>G. VCF-style: chr2-165381114-A-G. GRCh37 (hg19) VCF-style: chr2-166237624-A-G.
Other names: c.4468A>G, p.Met1490Val (NM_001040143.2, NM_001371246.1, NM_001371247.1 and 1 more transcripts); short protein forms M1490V.
Identifiers: ClinVar variation 224077 (VCV000224077.9), dbSNP rs869312663, ClinGen allele CA354193.
Genomic context (GRCh38, chr2:165,381,114, plus strand): 5'-AGAACACAATTTTAACAAGTGTTGCTTTCATTTCTTTACTTTGGAGGTCAAGACATTTTT[A>G]TGACAGAAGAACAGAAGAAATACTACAATGCAATGAAAAAACTGGGTTCAAAGAAACCAC-3'
Protein context (NP_001035232.1, residues 1480-1500): KKKFGGQDIF[Met1490Val]TEEQKKYYNA